The following is an entry in ClinVar:

ClinVar aggregate classification (germline): Uncertain significance (1 of 4 stars; one submission).

Allele frequency attached by ClinVar (database versions not stated): gnomAD 0.00001; ExAC 0.00002; TOPMed 0.00002; ESP Exome Variant Server 0.00008.
gnomAD v4.1: 9 of 1,613,310 alleles (0.00056%); highest among the groups gnomAD compares: African/African-American, 0.004%; no homozygotes.

Submission:

Labcorp Genetics (formerly Invitae), Labcorp
Classification: Uncertain significance. Last evaluated: 2024-05-23. Review status: criteria provided, single submitter. Criteria: Invitae Variant Classification Sherloc (09022015). Collection method: clinical testing. Allele origin: germline.
Comment: This sequence change replaces arginine, which is basic and polar, with tryptophan, which is neutral and slightly polar, at codon 324 of the DSCAML1 protein (p.Arg324Trp). This variant is present in population databases (rs377588144, gnomAD 0.004%). This variant has not been reported in the literature in individuals affected with DSCAML1-related conditions. ClinVar contains an entry for this variant (Variation ID: 1984991). An algorithm developed to predict the effect of missense changes on protein structure and function (PolyPhen-2) suggests that this variant is likely to be disruptive. In summary, the available evidence is currently insufficient to determine the role of this variant in disease. Therefore, it has been classified as a Variant of Uncertain Significance.

NM_020693.4(DSCAML1):c.790C>T (p.Arg264Trp)

Gene: DSCAML1 (DS cell adhesion molecule like 1; minus strand). Cytogenetic location: 11q23.3.
Variant type: single nucleotide variant.
Coding change: c.790C>T on transcript NM_020693.4 (MANE Select); coding-DNA position 790, C replaced by T.
Protein change: p.Arg264Trp; replaces arginine 264 with tryptophan.
Molecular consequence: missense variant.
Genome position (GRCh38, 1-based): chr11:117,524,952, G>A on the plus strand (C>T on the coding strand, the complement: DSCAML1 is on the minus strand). VCF-style: chr11-117524952-G-A. GRCh37 (hg19) VCF-style: chr11-117395667-G-A.
Other names: c.790C>T, p.Arg264Trp (NM_001367904.1); c.382C>T, p.Arg128Trp (NM_001367905.1); short protein forms R264W, R128W.
Identifiers: ClinVar variation 1984991 (VCV001984991.4), dbSNP rs377588144, ClinGen allele CA6297449.